The following is an entry in ClinVar:

ClinVar aggregate classification (germline): Uncertain significance. Review status: criteria provided, multiple submitters, no conflicts (2 of 4 stars). 2 submissions from 2 submitters: Uncertain significance (2). Last evaluated 2025-12-04.

Conditions:
Emery-Dreifuss muscular dystrophy (EDMD). Also called: Scapuloperoneal syndrome, X-linked (formerly); Humeroperoneal neuromuscular disease, (formerly). Identifiers: Orphanet 261, MedGen C0410189, MONDO:0016830.

Allele frequency attached by ClinVar (database versions not stated): gnomAD 0.00002; gnomAD exomes 0.00002.
gnomAD v4.1: 16 of 1,613,156 alleles (0.00099%); highest among the groups gnomAD compares: Admixed American, 0.025%; no homozygotes.

Submissions (2):

Ambry Genetics
Classification: Uncertain significance. Last evaluated: 2025-12-04. Review status: criteria provided, single submitter. Criteria: Ambry Variant Classification Scheme 2023. Collection method: clinical testing. Allele origin: germline.

Labcorp Genetics (formerly Invitae), Labcorp
Classification: Uncertain significance for Emery-Dreifuss muscular dystrophy. Last evaluated: 2025-03-12. Review status: criteria provided, single submitter. Criteria: Invitae Variant Classification Sherloc (09022015). Collection method: clinical testing. Allele origin: germline.
Comment: This sequence change replaces aspartic acid, which is acidic and polar, with glutamic acid, which is acidic and polar, at codon 595 of the SUN2 protein (p.Asp595Glu). This variant is present in population databases (rs770892695, gnomAD 0.03%). This variant has not been reported in the literature in individuals affected with SUN2-related conditions. ClinVar contains an entry for this variant (Variation ID: 1358134). An algorithm developed to predict the effect of missense changes on protein structure and function (PolyPhen-2) suggests that this variant is likely to be tolerated. In summary, the available evidence is currently insufficient to determine the role of this variant in disease. Therefore, it has been classified as a Variant of Uncertain Significance.

NM_015374.3(SUN2):c.1785T>A (p.Asp595Glu)

Genes: GTPBP1 (GTP binding protein 1; plus strand), SUN2 (Sad1 and UNC84 domain containing 2; minus strand). Cytogenetic location: 22q13.1.
Variant type: single nucleotide variant.
Coding change: c.1785T>A on transcript NM_015374.3 (MANE Select); coding-DNA position 1785, T replaced by A.
Protein change: p.Asp595Glu; replaces aspartic acid 595 with glutamic acid.
Molecular consequence: missense variant.
Genome position (GRCh38, 1-based): chr22:38,738,749, A>T on the plus strand (T>A on the coding strand, the complement: SUN2 is on the minus strand). VCF-style: chr22-38738749-A-T. GRCh37 (hg19) VCF-style: chr22-39134754-A-T.
Other names: c.1848T>A, p.Asp616Glu (NM_001199579.2, NM_001394428.1); c.1785T>A, p.Asp595Glu (NM_001199580.2, NM_001394431.1, NM_001394432.1 and 3 more transcripts); c.1878T>A, p.Asp626Glu (NM_001394427.1); c.1830T>A, p.Asp610Glu (NM_001394429.1, NM_001394430.1); c.1782T>A, p.Asp594Glu (NM_001394436.1, NM_001394437.1); c.1695T>A, p.Asp565Glu (NM_001394438.1); c.1647T>A, p.Asp549Glu (NM_001394439.1, NM_001394440.1, NM_001394441.1); c.1386T>A, p.Asp462Glu (NM_001394442.1); and 3 more; short protein forms D431E, D462E, D626E, D549E, D565E, D595E, D610E, D616E.
Identifiers: ClinVar variation 1358134 (VCV001358134.7), dbSNP rs770892695, ClinGen allele CA10235417.
Genomic context (GRCh38, chr22:38,738,749, plus strand): 5'-GAGGCGGACCACGGCGAAGCCTTGTGGCCCCTGGAAGGCCCAGCAGTTGCCTGGGTGCAC[A>T]TCTGGCTGGAGGAGCAGAAAGTCATGTCAGGACAGGGCCCTGAGTCCAGCTCTTGCTGAC-3'
Protein context (NP_056189.1, residues 585-605): SQSPRVILQP[Asp595Glu]VHPGNCWAFQ